The following is an entry in ClinVar:

NM_001424.6(EMP2):c.316+4A>G

Gene: EMP2 (epithelial membrane protein 2; minus strand). Cytogenetic location: 16p13.13.
Variant type: single nucleotide variant.
Coding change: c.316+4A>G on transcript NM_001424.6 (MANE Select); 4 bases into the intron after coding-DNA position 316, A replaced by G.
Molecular consequence: intron variant.
Genome position (GRCh38, 1-based): chr16:10,537,924, T>C on the plus strand (A>G on the coding strand, the complement: EMP2 is on the minus strand). VCF-style: chr16-10537924-T-C. GRCh37 (hg19) VCF-style: chr16-10631781-T-C.
Identifiers: ClinVar variation 2066836 (VCV002066836.2), dbSNP rs966994232, ClinGen allele CA277622571.

ClinVar aggregate classification (germline): Uncertain significance (1 of 4 stars; one submission).

Allele frequency attached by ClinVar (database versions not stated): gnomAD 0.00003.
gnomAD v4.1: 8 of 1,613,870 alleles (0.0005%); highest among the groups gnomAD compares: African/African-American, 0.0067%; no homozygotes.

Submission:

Labcorp Genetics (formerly Invitae), Labcorp
Classification: Uncertain significance. Last evaluated: 2022-04-22. Review status: criteria provided, single submitter. Criteria: Invitae Variant Classification Sherloc (09022015). Collection method: clinical testing. Allele origin: germline.
Comment: Variants that disrupt the consensus splice site are a relatively common cause of aberrant splicing (PMID: 17576681, 9536098). Algorithms developed to predict the effect of sequence changes on RNA splicing suggest that this variant may disrupt the consensus splice site. In summary, the available evidence is currently insufficient to determine the role of this variant in disease. Therefore, it has been classified as a Variant of Uncertain Significance. This variant has not been reported in the literature in individuals affected with EMP2-related conditions. This sequence change falls in intron 4 of the EMP2 gene. It does not directly change the encoded amino acid sequence of the EMP2 protein. It affects a nucleotide within the consensus splice site. This variant is not present in population databases (gnomAD no frequency).

Literature cited by the submitters: PubMed 17576681; PubMed 9536098.